The following is an entry in ClinVar:

NM_206933.4(USH2A):c.14546G>A (p.Trp4849Ter)

Gene: USH2A (usherin; minus strand). Cytogenetic location: 1q41.
Variant type: single nucleotide variant.
Coding change: c.14546G>A on transcript NM_206933.4 (MANE Select); coding-DNA position 14546, G replaced by A.
Protein change: p.Trp4849Ter; replaces tryptophan 4849 with a stop codon.
Molecular consequence: nonsense.
Genome position (GRCh38, 1-based): chr1:215,648,564, C>T on the plus strand (G>A on the coding strand, the complement: USH2A is on the minus strand). VCF-style: chr1-215648564-C-T. GRCh37 (hg19) VCF-style: chr1-215821906-C-T.
Other names: short protein forms W4849*.
Identifiers: ClinVar variation 1456512 (VCV001456512.11), dbSNP rs1656936749, ClinGen allele CA344833241.
Genomic context (GRCh38, chr1:215,648,564, plus strand): 5'-TCATCCTTCTGCCTGACCCATTACCTGTGAATGACACCATTGGGGAACATGGGGGGACTC[C>T]ACCGGAAGGAGGCCGTCCTTGAGGCCAGCGTCCCGATTTGTGGAGAGGACAGTCCTGAGG-3'

ClinVar aggregate classification (germline): Pathogenic/Likely pathogenic. Review status: criteria provided, multiple submitters, no conflicts (2 of 4 stars). 7 submissions from 7 submitters: Pathogenic (2); Likely pathogenic (5). Last evaluated 2025-06-15.

Conditions:
USH2A-related disorder. Also called: USH2A-related disorders; USH2A-related condition. Identifiers: MedGen CN239332.
Usher syndrome type 2A. Also called: RETINAL DISEASE IN USHER SYNDROME TYPE IIA, MODIFIER OF; USHER SYNDROME, TYPE IIA. Identifiers: Orphanet 231178, Orphanet 886, MedGen C1848634, MONDO:0010169, OMIM 276901.
Retinitis pigmentosa 39 (RP39). Identifiers: Orphanet 791, MedGen C3151138, MONDO:0013436, OMIM 613809.

Allele frequency attached by ClinVar (database versions not stated): gnomAD 0.00001.
gnomAD v4.1: 1 of 1,614,078 alleles (0.000062%); no homozygotes.

Submissions (7):

Labcorp Genetics (formerly Invitae), Labcorp
Classification: Pathogenic. Last evaluated: 2025-06-15. Review status: criteria provided, single submitter. Criteria: Invitae Variant Classification Sherloc (09022015). Collection method: clinical testing. Allele origin: germline.
Comment: This sequence change creates a premature translational stop signal (p.Trp4849*) in the USH2A gene. It is expected to result in an absent or disrupted protein product. Loss-of-function variants in USH2A are known to be pathogenic (PMID: 10729113, 10909849, 20507924, 25649381). This variant is not present in population databases (gnomAD no frequency). This variant has not been reported in the literature in individuals affected with USH2A-related conditions. ClinVar contains an entry for this variant (Variation ID: 1456512). Algorithms developed to predict the effect of sequence changes on RNA splicing suggest that this variant may disrupt the consensus splice site. For these reasons, this variant has been classified as Pathogenic.

3billion
Classification: Pathogenic for Retinitis pigmentosa 39. Last evaluated: 2024-08-05. Review status: criteria provided, single submitter. Criteria: ACMG Guidelines, 2015. Collection method: clinical testing. Allele origin: germline. Affected: yes.
Comment: The variant is observed at an extremely low frequency in the gnomAD v4.0.0 dataset (total allele frequency: <0.001%). Predicted Consequence/Location: Stop-gained (nonsense): predicted to result in a loss or disruption of normal protein function through nonsense-mediated decay (NMD) or protein truncation. Multiple pathogenic variants are reported downstream of the variant. The variant has been reported at least twice as pathogenic with clinical assertions and evidence for the classification (ClinVar ID: VCV001456512 /PMID: 36110214). Therefore, this variant is classified as Pathogenic according to the recommendation of ACMG/AMP guideline.

Fulgent Genetics
Classification: Likely pathogenic for Usher syndrome type 2A; Retinitis pigmentosa 39. Last evaluated: 2024-04-23. Review status: criteria provided, single submitter. Criteria: ACMG Guidelines, 2015. Collection method: clinical testing. Allele origin: germline.

Genome-Nilou Lab
Classification: Likely pathogenic for Retinitis pigmentosa 39. Last evaluated: 2023-11-04. Review status: criteria provided, single submitter. Criteria: ACMG Guidelines, 2015. Collection method: clinical testing. Allele origin: germline. Affected: no.

Baylor Genetics
Classification: Likely pathogenic for Retinitis pigmentosa 39. Last evaluated: 2023-03-02. Review status: criteria provided, single submitter. Criteria: ACMG Guidelines, 2015. Collection method: clinical testing. Allele origin: unknown.

Blueprint Genetics
Classification: Likely pathogenic for USH2A-related disorders. Last evaluated: 2022-08-08. Review status: criteria provided, single submitter. Criteria: ACMG Guidelines, 2015. Collection method: clinical testing. Allele origin: germline. Affected: yes. Observed: 2 variant alleles.

AiLife Diagnostics
Classification: Likely pathogenic. Last evaluated: 2022-02-21. Review status: criteria provided, single submitter. Criteria: ACMG Guidelines, 2015. Collection method: clinical testing. Allele origin: germline. Affected: yes. Observed: 1 variant allele.

Literature cited by the submitters: PubMed 10729113 (cited by Labcorp Genetics (formerly Invitae), Labcorp); PubMed 10909849 (cited by Labcorp Genetics (formerly Invitae), Labcorp); PubMed 20507924 (cited by Labcorp Genetics (formerly Invitae), Labcorp); PubMed 25649381 (cited by Labcorp Genetics (formerly Invitae), Labcorp); PubMed 36110214 (cited by 3billion).